The following is an entry in ClinVar:

NM_000179.3(MSH6):c.3652G>A (p.Gly1218Ser)

Gene: MSH6 (mutS homolog 6; plus strand). Cytogenetic location: 2p16.3.
Variant type: single nucleotide variant.
Coding change: c.3652G>A on transcript NM_000179.3 (MANE Select); coding-DNA position 3652, G replaced by A.
Protein change: p.Gly1218Ser; replaces glycine 1218 with serine.
Molecular consequence: missense variant.
Genome position (GRCh38, 1-based): chr2:47,806,209, G>A. VCF-style: chr2-47806209-G-A. GRCh37 (hg19) VCF-style: chr2-48033348-G-A.
Other names: c.3262G>A, p.Gly1088Ser (NM_001281492.2); c.2746G>A, p.Gly916Ser (NM_001281493.2, NM_001281494.2); c.3652G>A (NM_000179.2); short protein forms G1218S, G916S, G1088S.
Identifiers: ClinVar variation 1396379 (VCV001396379.9), dbSNP rs776407427, ClinGen allele CA071792.

ClinVar aggregate classification (germline): Uncertain significance. Review status: criteria provided, multiple submitters, no conflicts (2 of 4 stars). 3 submissions from 3 submitters: Uncertain significance (3). Last evaluated 2026-03-19.

Conditions:
Hereditary cancer-predisposing syndrome. Also called: Neoplastic Syndromes, Hereditary; Tumor predisposition; Hereditary Cancer Syndrome; Hereditary neoplastic syndrome. Identifiers: Orphanet 140162, MedGen C0027672, MeSH D009386, MONDO:0015356.
Hereditary nonpolyposis colorectal neoplasms. Identifiers: MedGen C0009405, MeSH D003123.

Allele frequency attached by ClinVar (database versions not stated): gnomAD exomes below 0.00001; ExAC 0.00001.
gnomAD v4.1: 1 of 1,613,974 alleles (0.000062%); highest among the groups gnomAD compares: Non-Finnish European, 0.000085%; no homozygotes.

Submissions (3):

Ambry Genetics
Classification: Uncertain significance for Hereditary cancer-predisposing syndrome. Last evaluated: 2026-03-19. Review status: criteria provided, single submitter. Criteria: Ambry Variant Classification Scheme 2023. Collection method: clinical testing. Allele origin: germline.

Color Diagnostics, LLC DBA Color Health
Classification: Uncertain significance for Hereditary cancer-predisposing syndrome. Last evaluated: 2023-09-18. Review status: criteria provided, single submitter. Criteria: ACMG Guidelines, 2015. Collection method: clinical testing. Allele origin: germline.
Comment: This missense variant replaces glycine with serine at codon 1218 of the MSH6 protein. Computational prediction suggests that this variant may have deleterious impact on protein structure and function (internally defined REVEL score threshold >= 0.7, PMID: 27666373). To our knowledge, functional studies have not been reported for this variant. This variant has not been reported in individuals affected with MSH6-related disorders in the literature. This variant has been identified in 1/251206 chromosomes in the general population by the Genome Aggregation Database (gnomAD). The available evidence is insufficient to determine the role of this variant in disease conclusively. Therefore, this variant is classified as a Variant of Uncertain Significance.

Labcorp Genetics (formerly Invitae), Labcorp
Classification: Uncertain significance for Hereditary nonpolyposis colorectal neoplasms. Last evaluated: 2022-09-12. Review status: criteria provided, single submitter. Criteria: Invitae Variant Classification Sherloc (09022015). Collection method: clinical testing. Allele origin: germline.
Comment: ClinVar contains an entry for this variant (Variation ID: 1396379). This variant has not been reported in the literature in individuals affected with MSH6-related conditions. This variant is present in population databases (rs776407427, gnomAD 0.0009%). This sequence change replaces glycine, which is neutral and non-polar, with serine, which is neutral and polar, at codon 1218 of the MSH6 protein (p.Gly1218Ser). Advanced modeling of protein sequence and biophysical properties (such as structural, functional, and spatial information, amino acid conservation, physicochemical variation, residue mobility, and thermodynamic stability) performed at Invitae indicates that this missense variant is expected to disrupt MSH6 protein function. In summary, the available evidence is currently insufficient to determine the role of this variant in disease. Therefore, it has been classified as a Variant of Uncertain Significance.